The following is an entry in ClinVar:

NM_001112726.3(CEP170B):c.1062C>T (p.His354=)

Gene: CEP170B (centrosomal protein 170B; plus strand). Cytogenetic location: 14q32.33.
Variant type: single nucleotide variant.
Coding change: c.1062C>T on transcript NM_001112726.3 (MANE Select); coding-DNA position 1062, C replaced by T.
Protein change: p.His354=; no amino-acid change (histidine 354 retained).
Molecular consequence: synonymous variant.
Genome position (GRCh38, 1-based): chr14:104,883,841, C>T. VCF-style: chr14-104883841-C-T. GRCh37 (hg19) VCF-style: chr14-105350178-C-T.
Other names: c.852C>T, p.His284= (NM_015005.3).
Identifiers: ClinVar variation 3060905 (VCV003060905.2), dbSNP rs45449696, ClinGen allele CA7375496.

ClinVar aggregate classification (germline): Benign (0 of 4 stars; one submission).

Conditions:
CEP170B-related disorder. Also called: CEP170B-related condition.

Allele frequency attached by ClinVar (database versions not stated): 1000 Genomes Project 0.21965; 1000 Genomes Project 30x 0.22049; TOPMed 0.29635; ESP Exome Variant Server 0.30432; gnomAD 0.30494; ExAC 0.41101.
gnomAD v4.1: 563,304 of 1,554,006 alleles (36%); highest among the groups gnomAD compares: Non-Finnish European, 40%; 107,580 homozygotes.

Submission:

PreventionGenetics, part of Exact Sciences
Classification: Benign for CEP170B-related condition. Last evaluated: 2019-10-17. Review status: no assertion criteria provided. Collection method: clinical testing. Allele origin: germline.
Comment: This variant is classified as benign based on ACMG/AMP sequence variant interpretation guidelines (Richards et al. 2015 PMID: 25741868, with internal and published modifications).